The following is an entry in ClinVar:

NM_001353345.2(SETD1B):c.3593A>C (p.Glu1198Ala)

Gene: SETD1B (SET domain containing 1B, histone lysine methyltransferase; plus strand). Cytogenetic location: 12q24.31.
Variant type: single nucleotide variant.
Coding change: c.3593A>C on transcript NM_001353345.2 (MANE Select); coding-DNA position 3593, A replaced by C.
Protein change: p.Glu1198Ala; replaces glutamic acid 1198 with alanine.
Molecular consequence: missense variant.
Genome position (GRCh38, 1-based): chr12:121,819,578, A>C. VCF-style: chr12-121819578-A-C. GRCh37 (hg19) VCF-style: chr12-122257484-A-C.
Other names: short protein forms E1198A.
Identifiers: ClinVar variation 4884826 (VCV004884826.1).
Genomic context (GRCh38, chr12:121,819,578, plus strand): 5'-AGGAGGAGGTAGTGGCCAGGGAAGAGGAGGAAGAAGAGGAGGAGGAGGAGATGGTGGCCG[A>C]GGAAAGCATGGCTTCTGCAGGCCCTGAGGACTTTGAGCAGGACGGGGAGGAAGCGGCTCT-3'
Protein context (NP_001340274.1, residues 1188-1208): EEEEEEEMVA[Glu1198Ala]ESMASAGPED

ClinVar aggregate classification (germline): Uncertain significance (0 of 4 stars; one submission).

Conditions:
Intellectual developmental disorder with seizures and language delay (IDDSELD). Identifiers: MedGen C5436574, MONDO:0033559, OMIM 619000.

gnomAD v4.1: 13 of 1,552,496 alleles (0.00084%); highest among the groups gnomAD compares: South Asian, 0.0083%; no homozygotes.

Submission:

Hong-Tao Li Lab, Institute of Brain Science and Brain-inspired Research, Shandong First Medical University & Shandong Academy of Medical Sciences China
Classification: Uncertain significance for Intellectual developmental disorder with seizures and language delay. Review status: no assertion criteria provided. Collection method: research. Allele origin: germline. Inheritance: Autosomal dominant inheritance. Affected: yes. Observed: 1 variant allele, 1 heterozygote.
Comment: Observed in affected individuals from a Pakistani neurodevelopmental-disorder research cohort of 263 individuals. Classification assigned using the ACMG/AMP framework. Population-frequency evidence: gnomAD AF 3.191e-05.